The following is an entry in ClinVar:

ClinVar aggregate classification (germline): Uncertain significance (1 of 4 stars; one submission).

Conditions:
Mitochondrial hypertrophic cardiomyopathy with lactic acidosis due to MTO1 deficiency. Also called: CARDIOMYOPATHY, INFANTILE HYPERTROPHIC MITOCHONDRIAL, AND LACTIC ACIDOSIS; Combined oxidative phosphorylation deficiency 10. Identifiers: Orphanet 314637, MedGen C4749921, MONDO:0013865, OMIM 614702.

Allele frequency attached by ClinVar (database versions not stated): gnomAD 0.00001; gnomAD exomes 0.00003.
gnomAD v4.1: 44 of 1,612,632 alleles (0.0027%); highest among the groups gnomAD compares: Non-Finnish European, 0.0036%; no homozygotes.

Submission:

Labcorp Genetics (formerly Invitae), Labcorp
Classification: Uncertain significance for Mitochondrial hypertrophic cardiomyopathy with lactic acidosis due to MTO1 deficiency. Last evaluated: 2022-03-25. Review status: criteria provided, single submitter. Criteria: Invitae Variant Classification Sherloc (09022015). Collection method: clinical testing. Allele origin: germline.
Comment: This sequence change replaces cysteine, which is neutral and slightly polar, with arginine, which is basic and polar, at codon 495 of the MTO1 protein (p.Cys495Arg). This variant is present in population databases (rs770891029, gnomAD 0.007%). This variant has not been reported in the literature in individuals affected with MTO1-related conditions. Algorithms developed to predict the effect of missense changes on protein structure and function are either unavailable or do not agree on the potential impact of this missense change (SIFT: "Deleterious"; PolyPhen-2: "Probably Damaging"; Align-GVGD: "Class C0"). In summary, the available evidence is currently insufficient to determine the role of this variant in disease. Therefore, it has been classified as a Variant of Uncertain Significance.

NM_012123.4(MTO1):c.1483T>C (p.Cys495Arg)

Gene: MTO1 (mitochondrial tRNA translation optimization 1; plus strand). Cytogenetic location: 6q13.
Variant type: single nucleotide variant.
Coding change: c.1483T>C on transcript NM_012123.4 (MANE Select); coding-DNA position 1483, T replaced by C.
Protein change: p.Cys495Arg; replaces cysteine 495 with arginine.
Molecular consequence: missense variant.
Genome position (GRCh38, 1-based): chr6:73,482,466, T>C. VCF-style: chr6-73482466-T-C. GRCh37 (hg19) VCF-style: chr6-74192189-T-C.
Other names: c.1603T>C, p.Cys535Arg (NM_001123226.2); c.1558T>C, p.Cys520Arg (NM_133645.3); short protein forms C495R, C535R, C520R.
Identifiers: ClinVar variation 2192183 (VCV002192183.1), dbSNP rs770891029, ClinGen allele CA140963397.
Genomic context (GRCh38, chr6:73,482,466, plus strand): 5'-AAAAACCACACTTCTCATTATATTCTCTTTCTCCCTTCCCTAGGGTATAAAGACGCTGGC[T>C]GTGTGTCCCAACAACGATATGAAAGAGCTTGTTGGATGAAGTCTTCTTTAGAAGAAGGCA-3'
Protein context (NP_036255.2, residues 485-505): LTLRGYKDAG[Cys495Arg]VSQQRYERAC